The following is an entry in ClinVar:

NM_001258392.3(CLPB):c.1486+6G>A

Gene: CLPB (ClpB family mitochondrial disaggregase; minus strand). Cytogenetic location: 11q13.4.
Variant type: single nucleotide variant.
Coding change: c.1486+6G>A on transcript NM_001258392.3 (MANE Select); 6 bases into the intron after coding-DNA position 1486, G replaced by A.
Molecular consequence: intron variant.
Genome position (GRCh38, 1-based): chr11:72,295,486, C>T on the plus strand (G>A on the coding strand, the complement: CLPB is on the minus strand). VCF-style: chr11-72295486-C-T. GRCh37 (hg19) VCF-style: chr11-72006530-C-T.
Other names: c.1399+6G>A (NM_001258393.3); c.1576+6G>A (NM_030813.6); c.1441+6G>A (NM_001258394.3).
Identifiers: ClinVar variation 3603270 (VCV003603270.1).

ClinVar aggregate classification (germline): Uncertain significance (1 of 4 stars; one submission).

Conditions:
3-methylglutaconic aciduria, type VIIB (MGCA7B). Also called: 3-methylglutaconic aciduria, type VII, with cataracts, neurologic involvement and neutropenia; CLPB Deficiency; 3-methylglutaconic aciduria with cataracts, neurologic involvement and neutropenia. Identifiers: Orphanet 445038, MedGen C5676893, MONDO:0014561, OMIM 616271.

gnomAD v4.1: 4 of 1,613,658 alleles (0.00025%); highest among the groups gnomAD compares: South Asian, 0.0033%; no homozygotes.

Submission:

Neuberg Centre For Genomic Medicine, NCGM
Classification: Uncertain significance for 3-methylglutaconic aciduria, type VIIB. Review status: criteria provided, single submitter. Criteria: ACMG Guidelines, 2015. Collection method: clinical testing. Allele origin: germline. Inheritance: Autosomal recessive inheritance. Affected: yes.
Comment: The observed splice region/ intron variant c.1486+6G>A in CLPB gene has not been reported previously as a pathogenic variant noras a benign variant, to our knowledge. This variant is reported with 0.001% allele frequency in gnomAD Exomes. For these reasons,this variant has been classified as Uncertain Significance.